The following is an entry in ClinVar:

ClinVar aggregate classification (germline): Uncertain significance (1 of 4 stars; one submission).

Submission:

Labcorp Genetics (formerly Invitae), Labcorp
Classification: Uncertain significance. Last evaluated: 2022-08-13. Review status: criteria provided, single submitter. Criteria: Invitae Variant Classification Sherloc (09022015). Collection method: clinical testing. Allele origin: germline.
Comment: In summary, the available evidence is currently insufficient to determine the role of this variant in disease. Therefore, it has been classified as a Variant of Uncertain Significance. Algorithms developed to predict the effect of missense changes on protein structure and function (SIFT, PolyPhen-2, Align-GVGD) all suggest that this variant is likely to be disruptive. This variant has not been reported in the literature in individuals affected with NBAS-related conditions. This variant is not present in population databases (gnomAD no frequency). This sequence change replaces threonine, which is neutral and polar, with asparagine, which is neutral and polar, at codon 1703 of the NBAS protein (p.Thr1703Asn).

NM_015909.4(NBAS):c.5108C>A (p.Thr1703Asn)

Gene: NBAS (NBAS subunit of NRZ tethering complex; minus strand). Cytogenetic location: 2p24.3.
Variant type: single nucleotide variant.
Coding change: c.5108C>A on transcript NM_015909.4 (MANE Select); coding-DNA position 5108, C replaced by A.
Protein change: p.Thr1703Asn; replaces threonine 1703 with asparagine.
Molecular consequence: missense variant. On other transcripts: non-coding transcript variant (1).
Genome position (GRCh38, 1-based): chr2:15,287,103, G>T on the plus strand (C>A on the coding strand, the complement: NBAS is on the minus strand). VCF-style: chr2-15287103-G-T. GRCh37 (hg19) VCF-style: chr2-15427227-G-T.
Other names: short protein forms T1703N.
Identifiers: ClinVar variation 1716316 (VCV001716316.5), dbSNP rs373023446, ClinGen allele CA345886752.